The following is an entry in ClinVar:

NM_000090.4(COL3A1):c.533C>T (p.Pro178Leu)

Gene: COL3A1 (collagen type III alpha 1 chain; plus strand). Cytogenetic location: 2q32.2.
Variant type: single nucleotide variant.
Coding change: c.533C>T on transcript NM_000090.4 (MANE Select); coding-DNA position 533, C replaced by T.
Protein change: p.Pro178Leu; replaces proline 178 with leucine.
Molecular consequence: missense variant.
Genome position (GRCh38, 1-based): chr2:188,988,085, C>T. VCF-style: chr2-188988085-C-T. GRCh37 (hg19) VCF-style: chr2-189852811-C-T.
Other names: short protein forms P178L.
Identifiers: ClinVar variation 3907393 (VCV003907393.1).

ClinVar aggregate classification (germline): Uncertain significance (1 of 4 stars; one submission).

gnomAD v4.1: 2 of 1,610,972 alleles (0.00012%); highest among the groups gnomAD compares: Non-Finnish European, 0.00017%; no homozygotes.

Submission:

Women's Health and Genetics/Laboratory Corporation of America, LabCorp
Classification: Uncertain significance. Last evaluated: 2025-06-04. Review status: criteria provided, single submitter. Criteria: LabCorp Variant Classification Summary - May 2015. Collection method: clinical testing. Allele origin: germline.
Comment: Variant summary: COL3A1 c.533C>T (p.Pro178Leu) results in a non-conservative amino acid change in the encoded protein sequence. Algorithms developed to predict the effect of missense changes on protein structure and function all suggest that this variant is likely to be disruptive. The variant was absent in 250632 control chromosomes. The available data on variant occurrences in the general population are insufficient to allow any conclusion about variant significance. To our knowledge, no occurrence of c.533C>T in individuals affected with Polymicrogyria with or without vascular-type Ehlers-Danlos syndrome and no experimental evidence demonstrating its impact on protein function have been reported. No submitters have cited clinical-significance assessments for this variant to ClinVar. Based on the evidence outlined above, the variant was classified as uncertain significance.